The following is an entry in ClinVar:

NM_032043.3(BRIP1):c.662C>T (p.Thr221Ile)

Gene: BRIP1 (BRCA1 interacting DNA helicase 1; minus strand). Cytogenetic location: 17q23.2.
Variant type: single nucleotide variant.
Coding change: c.662C>T on transcript NM_032043.3 (MANE Select); coding-DNA position 662, C replaced by T.
Protein change: p.Thr221Ile; replaces threonine 221 with isoleucine.
Molecular consequence: missense variant.
Genome position (GRCh38, 1-based): chr17:61,808,723, G>A on the plus strand (C>T on the coding strand, the complement: BRIP1 is on the minus strand). VCF-style: chr17-61808723-G-A. GRCh37 (hg19) VCF-style: chr17-59886084-G-A.
Other names: short protein forms T221I.
Identifiers: ClinVar variation 826518 (VCV000826518.7), dbSNP rs373774920, ClinGen allele CA400485181.
Genomic context (GRCh38, chr17:61,808,723, plus strand): 5'-GATTTCCCTGTATGATCCTTCTTAATGGTATTCGATGACTCTTGACTGTTTCCTTGTTTA[G>A]TAGAACAACAGCACCTAGAACAGTGGCCAGGGGGCTGTAAGAAAGGAAAGAAACGATAAC-3'
Protein context (NP_114432.2, residues 211-231): PGHCSRCCCS[Thr221Ile]KQGNSQESSN

ClinVar aggregate classification (germline): Uncertain significance. Review status: criteria provided, multiple submitters, no conflicts (2 of 4 stars). 2 submissions from 2 submitters: Uncertain significance (2). Last evaluated 2025-11-03.

Conditions:
Hereditary cancer-predisposing syndrome. Also called: Neoplastic Syndromes, Hereditary; Hereditary Cancer Syndrome; Hereditary neoplastic syndrome; Tumor predisposition. Identifiers: Orphanet 140162, MedGen C0027672, MeSH D009386, MONDO:0015356.
Fanconi anemia complementation group J. Also called: BRIP1-Related Fanconi Anemia. Identifiers: Orphanet 84, MedGen C1836860, MONDO:0012187, OMIM 609054.
Familial cancer of breast. Also called: hereditary breast carcinoma; BREAST CANCER, FAMILIAL; Hereditary breast cancer. Identifiers: Orphanet 227535, MedGen C0346153, MONDO:0016419, OMIM 114480. Disease mechanism: loss of function.

gnomAD v4.1: 1 of 1,613,616 alleles (0.000062%); highest among the groups gnomAD compares: South Asian, 0.0011%; no homozygotes.

Submissions (2):

Labcorp Genetics (formerly Invitae), Labcorp
Classification: Uncertain significance for Familial cancer of breast; Fanconi anemia complementation group J. Last evaluated: 2025-11-03. Review status: criteria provided, single submitter. Criteria: Invitae Variant Classification Sherloc (09022015). Collection method: clinical testing. Allele origin: germline.
Comment: This sequence change replaces threonine, which is neutral and polar, with isoleucine, which is neutral and non-polar, at codon 221 of the BRIP1 protein (p.Thr221Ile). This variant is not present in population databases (gnomAD no frequency). This variant has not been reported in the literature in individuals affected with BRIP1-related conditions. ClinVar contains an entry for this variant (Variation ID: 826518). Invitae Evidence Modeling of protein sequence and biophysical properties (such as structural, functional, and spatial information, amino acid conservation, physicochemical variation, residue mobility, and thermodynamic stability) indicates that this missense variant is not expected to disrupt BRIP1 protein function with a negative predictive value of 95%. In summary, the available evidence is currently insufficient to determine the role of this variant in disease. Therefore, it has been classified as a Variant of Uncertain Significance.

Ambry Genetics
Classification: Uncertain significance for Hereditary cancer-predisposing syndrome. Last evaluated: 2024-06-12. Review status: criteria provided, single submitter. Criteria: Ambry Variant Classification Scheme 2023. Collection method: clinical testing. Allele origin: germline.
Comment: The p.T221I variant (also known as c.662C>T), located in coding exon 6 of the BRIP1 gene, results from a C to T substitution at nucleotide position 662. The threonine at codon 221 is replaced by isoleucine, an amino acid with similar properties. This amino acid position is not well conserved in available vertebrate species. In addition, this alteration is predicted to be tolerated by in silico analysis. Since supporting evidence is limited at this time, the clinical significance of this alteration remains unclear.